The following is an entry in ClinVar:

ClinVar aggregate classification (germline): Pathogenic/Likely pathogenic. Review status: criteria provided, multiple submitters, no conflicts (2 of 4 stars). 2 submissions from 2 submitters: Pathogenic (1); Likely pathogenic (1). Last evaluated 2025-07-31.

Conditions:
X-linked Alport syndrome (ATS1). Also called: NEPHROPATHY AND DEAFNESS, X-LINKED; COL4A5-Related Nephropathy. Identifiers: Orphanet 63, Orphanet 88917, MedGen C4746986, MONDO:0010520, OMIM 301050.

Submissions (2):

3billion
Classification: Likely pathogenic for X-linked Alport syndrome. Last evaluated: 2025-07-31. Review status: criteria provided, single submitter. Criteria: ACMG Guidelines, 2015. Collection method: clinical testing. Allele origin: germline. Affected: yes.
Comment: The variant is not observed in the gnomAD v4.1.0 dataset. Predicted Consequence/Location: The variant is located in a mutational hot spot and/or well-established functional domain in which established pathogenic variants have been reported. In silico tool predictions suggest damaging effect of the variant on gene or gene product [REVEL: 0.99 (>=0.6, sensitivity 0.68 and specificity 0.92); 3Cnet: 0.98 (> 0.75, sensitivity 0.96 and precision 0.92)]. The same nucleotide change resulting in the same amino acid change has been previously reported to be associated with COL4A5-related disorder (ClinVar ID: VCV003572993). Different missense changes at the same codon (p.Gly313Cys, p.Gly313Ser, p.Gly313Val) have been reported as pathogenic/likely pathogenic with strong evidence (ClinVar ID: VCV001077048, VCV001334560 /PMID: 16941480, 25876686). Therefore, this variant is classified as Likely pathogenic according to the recommendation of ACMG/AMP guideline.

MVZ Martinsried, Medicover Genetics
Classification: Pathogenic for X-linked Alport syndrome. Last evaluated: 2024-08-27. Review status: criteria provided, single submitter. Criteria: ACGS Guidelines, 2020. Collection method: clinical testing. Allele origin: unknown. Affected: yes.

Literature cited by the submitters: PubMed 16941480 (cited by 3billion).

NM_033380.3(COL4A5):c.937G>C (p.Gly313Arg)

Gene: COL4A5 (collagen type IV alpha 5 chain; plus strand). Cytogenetic location: Xq22.3.
Variant type: single nucleotide variant.
Coding change: c.937G>C on transcript NM_033380.3 (MANE Select); coding-DNA position 937, G replaced by C.
Protein change: p.Gly313Arg; replaces glycine 313 with arginine.
Molecular consequence: missense variant.
Genome position (GRCh38, 1-based): chrX:108,582,884, G>C. VCF-style: chrX-108582884-G-C. GRCh37 (hg19) VCF-style: chrX-107826114-G-C.
Other names: c.937G>C, p.Gly313Arg (NM_000495.5); short protein forms G313R.
Identifiers: ClinVar variation 3572993 (VCV003572993.2).
Genomic context (GRCh38, chrX:108,582,884, plus strand): 5'-TTGGAGATTTCCTAACACCATCATTTGTGCTGATGTCACCCTATCCTCTATGTTTTAAAG[G>C]GTTTGCCTGGTGATCCTGGTTACCCTGGTGAACCCGGAAGGGATGGTGAAAAGGTAAGAA-3'
Protein context (NP_203699.1, residues 303-323): DGENGQPGIP[Gly313Arg]LPGDPGYPGE